The following is an entry in ClinVar:

ClinVar aggregate classification (germline): Benign (0 of 4 stars; one submission).

Conditions:
KDM5A-related disorder. Also called: KDM5A-related condition.

Allele frequency attached by ClinVar (database versions not stated): 1000 Genomes Project 30x 0.00781; 1000 Genomes Project 0.00839; TOPMed 0.01629; ExAC 0.01643; gnomAD 0.01671; ESP Exome Variant Server 0.02086; gnomAD exomes 0.02463.
gnomAD v4.1: 38,197 of 1,611,814 alleles (2.4%); highest among the groups gnomAD compares: Non-Finnish European, 2.9%; 562 homozygotes.

Submission:

PreventionGenetics, part of Exact Sciences
Classification: Benign for KDM5A-related condition. Last evaluated: 2019-03-01. Review status: no assertion criteria provided. Collection method: clinical testing. Allele origin: germline.
Comment: This variant is classified as benign based on ACMG/AMP sequence variant interpretation guidelines (Richards et al. 2015 PMID: 25741868, with internal and published modifications).

NM_001042603.3(KDM5A):c.2423A>T (p.His808Leu)

Gene: KDM5A (lysine demethylase 5A; minus strand). Cytogenetic location: 12p13.33.
Variant type: single nucleotide variant.
Coding change: c.2423A>T on transcript NM_001042603.3 (MANE Select); coding-DNA position 2423, A replaced by T.
Protein change: p.His808Leu; replaces histidine 808 with leucine.
Molecular consequence: missense variant.
Genome position (GRCh38, 1-based): chr12:322,420, T>A on the plus strand (A>T on the coding strand, the complement: KDM5A is on the minus strand). VCF-style: chr12-322420-T-A. GRCh37 (hg19) VCF-style: chr12-431586-T-A.
Other names: short protein forms H808L.
Identifiers: ClinVar variation 3041543 (VCV003041543.2), dbSNP rs74894801, ClinGen allele CA6379078.